The following is an entry in ClinVar:

ClinVar aggregate classification (germline): Uncertain significance (1 of 4 stars; one submission).

Conditions:
Distal hereditary motor neuropathy type 2. Identifiers: Orphanet 139525, MedGen C3711384, MeSH C580044, MONDO:0015352.

Allele frequency attached by ClinVar (database versions not stated): gnomAD exomes below 0.00001; gnomAD 0.00001; TOPMed 0.00001.
gnomAD v4.1: 3 of 1,603,924 alleles (0.00019%); highest among the groups gnomAD compares: African/African-American, 0.0013%; no homozygotes.

Submission:

Labcorp Genetics (formerly Invitae), Labcorp
Classification: Uncertain significance for Distal hereditary motor neuropathy type 2. Last evaluated: 2022-11-10. Review status: criteria provided, single submitter. Criteria: Invitae Variant Classification Sherloc (09022015). Collection method: clinical testing. Allele origin: germline.
Comment: In summary, the available evidence is currently insufficient to determine the role of this variant in disease. Therefore, it has been classified as a Variant of Uncertain Significance. This variant has not been reported in the literature in individuals affected with FBXO38-related conditions. This variant is not present in population databases (gnomAD no frequency). This sequence change creates a premature translational stop signal (p.Arg649*) in the FBXO38 gene. It is expected to result in an absent or disrupted protein product. However, the current clinical and genetic evidence is not sufficient to establish whether loss-of-function variants in FBXO38 cause disease.

NM_205836.3(FBXO38):c.1945C>T (p.Arg649Ter)

Gene: FBXO38 (F-box protein 38; plus strand). Cytogenetic location: 5q32.
Variant type: single nucleotide variant.
Coding change: c.1945C>T on transcript NM_205836.3 (MANE Select); coding-DNA position 1945, C replaced by T.
Protein change: p.Arg649Ter; replaces arginine 649 with a stop codon.
Molecular consequence: nonsense. On other transcripts: intron variant (1).
Genome position (GRCh38, 1-based): chr5:148,427,239, C>T. VCF-style: chr5-148427239-C-T. GRCh37 (hg19) VCF-style: chr5-147806802-C-T.
Other names: c.1945C>T, p.Arg649Ter (NM_030793.5); c.1918+1538C>T (NM_001271723.2); short protein forms R649*.
Identifiers: ClinVar variation 2809268 (VCV002809268.3), dbSNP rs865970485, ClinGen allele CA128949739.